The following is an entry in ClinVar:

ClinVar aggregate classification (germline): Pathogenic (1 of 4 stars; one submission).

Submissions (2):

GeneDx
Classification: Pathogenic. Last evaluated: 2024-03-24. Review status: criteria provided, single submitter. Criteria: GeneDx Variant Classification Process June 2021. Collection method: clinical testing. Allele origin: germline. Affected: yes.
Comment: Nonsense variant predicted to result in protein truncation or nonsense mediated decay in a gene for which loss of function is a known mechanism of disease; Not observed at significant frequency in large population cohorts (gnomAD); This variant is associated with the following publications: (PMID: 31666975)

Dr. Peter K. Rogan Lab, Western University
No classification provided (evidence only). Condition: Nonpapillary renal cell carcinoma. Review status: no classification provided. Collection method: in vitro. Allele origin: not applicable. Functional consequence: skipped exon. Not counted in ClinVar's aggregate classification.

NM_001039591.3(USP9X):c.1201C>T (p.Arg401Ter)

Gene: USP9X (ubiquitin specific peptidase 9 X-linked; plus strand). Cytogenetic location: Xp11.4.
Variant type: single nucleotide variant.
Coding change: c.1201C>T on transcript NM_001039591.3 (MANE Select); coding-DNA position 1201, C replaced by T.
Protein change: p.Arg401Ter; replaces arginine 401 with a stop codon.
Molecular consequence: nonsense.
Genome position (GRCh38, 1-based): chrX:41,143,330, C>T. VCF-style: chrX-41143330-C-T. GRCh37 (hg19) VCF-style: chrX-41002583-C-T.
Other names: NC_000023.10:g.41002583C>T; c.1201C>T, p.Arg401Ter (NM_001039590.3, NM_001410748.1, NM_001410749.1); short protein forms R401*.
Identifiers: ClinVar variation 3343513 (VCV003343513.2).